The following is an entry in ClinVar:

NM_006087.4(TUBB4A):c.436G>A (p.Gly146Arg)

Gene: TUBB4A (tubulin beta 4A class IVa; minus strand). Cytogenetic location: 19p13.3.
Variant type: single nucleotide variant.
Coding change: c.436G>A on transcript NM_006087.4 (MANE Select); coding-DNA position 436, G replaced by A.
Protein change: p.Gly146Arg; replaces glycine 146 with arginine.
Molecular consequence: missense variant.
Genome position (GRCh38, 1-based): chr19:6,496,063, C>T on the plus strand (G>A on the coding strand, the complement: TUBB4A is on the minus strand). VCF-style: chr19-6496063-C-T. GRCh37 (hg19) VCF-style: chr19-6496074-C-T.
Other names: c.571G>A, p.Gly191Arg (NM_001289127.2); c.436G>A, p.Gly146Arg (NM_001289129.2); c.220G>A, p.Gly74Arg (NM_001289130.2, NM_001289131.2); c.589G>A, p.Gly197Arg (NM_001289123.2); short protein forms G74R, G191R, G197R, G146R.
Identifiers: ClinVar variation 3018636 (VCV003018636.3), dbSNP rs796738621, ClinGen allele CA304775804.

ClinVar aggregate classification (germline): Uncertain significance (1 of 4 stars; one submission).

Conditions:
Leukodystrophy, hypomyelinating, 6. Also called: Hypomyelination with Atrophy of Basal Ganglia and Cerebellum (H-ABC); LEUKODYSTROPHY, HYPOMYELINATING, WITH ATROPHY OF THE BASAL GANGLIA AND CEREBELLUM; TUBB4A-Associated Leukodystrophy. Identifiers: Orphanet 139441, MedGen C2676244, MONDO:0012905, OMIM 612438.

Allele frequency attached by ClinVar (database versions not stated): TOPMed 0.00003.
gnomAD v4.1: 3 of 1,614,198 alleles (0.00019%); highest among the groups gnomAD compares: Non-Finnish European, 0.00025%; no homozygotes.

Submission:

Labcorp Genetics (formerly Invitae), Labcorp
Classification: Uncertain significance for Leukodystrophy, hypomyelinating, 6. Last evaluated: 2023-09-05. Review status: criteria provided, single submitter. Criteria: Invitae Variant Classification Sherloc (09022015). Collection method: clinical testing. Allele origin: germline.
Comment: This sequence change replaces glycine, which is neutral and non-polar, with arginine, which is basic and polar, at codon 146 of the TUBB4A protein (p.Gly146Arg). This variant is not present in population databases (gnomAD no frequency). This variant has not been reported in the literature in individuals affected with TUBB4A-related conditions. Advanced modeling of protein sequence and biophysical properties (such as structural, functional, and spatial information, amino acid conservation, physicochemical variation, residue mobility, and thermodynamic stability) performed at Invitae indicates that this missense variant is expected to disrupt TUBB4A protein function. In summary, the available evidence is currently insufficient to determine the role of this variant in disease. Therefore, it has been classified as a Variant of Uncertain Significance.